The following is an entry in ClinVar:

NM_012434.5(SLC17A5):c.*560G>A

Gene: SLC17A5 (solute carrier family 17 member 5; minus strand). Cytogenetic location: 6q13.
Variant type: single nucleotide variant.
Coding change: c.*560G>A on transcript NM_012434.5 (MANE Select); 560 bases downstream of the stop codon, G replaced by A.
Molecular consequence: 3 prime UTR variant.
Genome position (GRCh38, 1-based): chr6:73,594,517, C>T on the plus strand (G>A on the coding strand, the complement: SLC17A5 is on the minus strand). VCF-style: chr6-73594517-C-T. GRCh37 (hg19) VCF-style: chr6-74304240-C-T.
Identifiers: ClinVar variation 357915 (VCV000357915.30), dbSNP rs115453489, ClinGen allele CA10627566.

ClinVar aggregate classification (germline): Likely benign. Review status: criteria provided, multiple submitters, no conflicts (2 of 4 stars). 2 submissions from 2 submitters: Likely benign (2). Last evaluated 2023-05-01.

Conditions:
Sialic acid storage disease, severe infantile type (ISSD). Also called: INFANTILE SIALIC ACID STORAGE DISORDER; N-ACETYLNEURAMINIC ACID STORAGE DISEASE; NANA STORAGE DISEASE; SIALURIA, INFANTILE FORM; Free sialic acid storage disease, infantile form; Infantile Sialic Acid Storage Disease. Identifiers: Orphanet 309324, Orphanet 834, MedGen C1096902, MONDO:0010027, OMIM 269920.

Allele frequency attached by ClinVar (database versions not stated): 1000 Genomes Project 0.00260; 1000 Genomes Project 30x 0.00344; TOPMed 0.00489; gnomAD 0.00575 and 0.00594; gnomAD exomes 0.00674.
gnomAD v4.1: 954 of 165,980 alleles (0.57%); highest among the groups gnomAD compares: Non-Finnish European, 0.9%; 7 homozygotes.

Submissions (2):

CeGaT Center for Human Genetics Tuebingen
Classification: Likely benign. Last evaluated: 2023-05-01. Review status: criteria provided, single submitter. Criteria: CeGaT Center For Human Genetics Tuebingen Variant Classification Criteria Version 2. Collection method: clinical testing. Allele origin: germline. Affected: yes. Observed: 4 variant alleles.
Comment: SLC17A5: BS2

Illumina Laboratory Services, Illumina
Classification: Likely benign for Sialic acid storage disease, severe infantile type. Last evaluated: 2018-01-12. Review status: criteria provided, single submitter. Criteria: ICSL Variant Classification Criteria 13 December 2019. Collection method: clinical testing. Allele origin: germline.
Comment: This variant was observed in the ICSL laboratory as part of a predisposition screen in an ostensibly healthy population. It had not been previously curated by ICSL or reported in the Human Gene Mutation Database (HGMD: prior to June 1st, 2018), and was therefore a candidate for classification through an automated scoring system. Utilizing variant allele frequency, disease prevalence and penetrance estimates, and inheritance mode, an automated score was calculated to assess if this variant is too frequent to cause the disease. Based on the score and internal cut-off values, a variant classified as likely benign is not then subjected to further curation. The score for this variant resulted in a classification of likely benign for this disease.